The following is an entry in ClinVar:

ClinVar aggregate classification (germline): Uncertain significance. Review status: criteria provided, multiple submitters, no conflicts (2 of 4 stars). 3 submissions from 3 submitters: Uncertain significance (2). 1 of the submissions does not count toward it. Last evaluated 2025-03-29.

Conditions:
Acute myeloid leukemia (AML). Also called: Acute myeloid leukemia, adult; AML adult; Acute non-lymphocytic leukemia; Acute granulocytic leukemia; Leukemia, acute myelogenous, somatic; Leukemia, acute myeloid, somatic. Identifiers: Orphanet 519, MedGen C0023467, MeSH D015470, MONDO:0018874, OMIM 601626, HP:0004808. Disease mechanism: Constitutively activated FLT3.
Primary myelofibrosis. Also called: Myelofibrosis, somatic. Identifiers: Orphanet 824, MedGen C0001815, MeSH D055728, MONDO:0009692, OMIM 254450.
Budd-Chiari syndrome (BDCHS). Also called: Hepatic vein obstruction. Identifiers: Orphanet 131, MedGen C0856761, MONDO:0010947, OMIM 600880, HP:0002639.
Acquired polycythemia vera. Also called: POLYCYTHEMIA RUBRA VERA; Suspected polycythemia vera; Polycythemia vera, somatic. Identifiers: Orphanet 729, MedGen C0032463, MeSH D011087, MONDO:0009891, OMIM 263300.
Thrombocythemia 3 (THCYT3). Also called: THROMBOCYTOSIS 3; THROMBOCYTHEMIA 3, SOMATIC. Identifiers: MedGen C3281125, MONDO:0013794, OMIM 614521.
Primary familial polycythemia due to EPO receptor mutation. Also called: POLYCYTHEMIA, PRIMARY FAMILIAL AND CONGENITAL; ERYTHROCYTOSIS, SOMATIC; Erythrocytosis, familial, 1; Primary Familial Congenital Polycythemia. Identifiers: Orphanet 90042, MedGen C4551637, MONDO:0007572, OMIM 133100.
JAK2-related disorder. Also called: JAK2-related condition.

Allele frequency attached by ClinVar (database versions not stated): TOPMed 0.00003; ExAC 0.00004; gnomAD 0.00005; gnomAD exomes 0.00006.
gnomAD v4.1: 89 of 1,552,946 alleles (0.0057%); highest among the groups gnomAD compares: Non-Finnish European, 0.0065%; no homozygotes.

Submissions (3):

Labcorp Genetics (formerly Invitae), Labcorp
Classification: Uncertain significance. Last evaluated: 2025-03-29. Review status: criteria provided, single submitter. Criteria: Invitae Variant Classification Sherloc (09022015). Collection method: clinical testing. Allele origin: germline.
Comment: This sequence change replaces arginine, which is basic and polar, with histidine, which is basic and polar, at codon 923 of the JAK2 protein (p.Arg923His). This variant is present in population databases (rs761937412, gnomAD 0.01%). This variant has not been reported in the literature in individuals affected with JAK2-related conditions. ClinVar contains an entry for this variant (Variation ID: 2636010). Invitae Evidence Modeling of protein sequence and biophysical properties (such as structural, functional, and spatial information, amino acid conservation, physicochemical variation, residue mobility, and thermodynamic stability) indicates that this missense variant is not expected to disrupt JAK2 protein function with a negative predictive value of 80%. In summary, the available evidence is currently insufficient to determine the role of this variant in disease. Therefore, it has been classified as a Variant of Uncertain Significance.

Department of Pathology and Laboratory Medicine, Sinai Health System
Classification: Uncertain significance for Primary familial polycythemia due to EPO receptor mutation; Primary myelofibrosis; Acquired polycythemia vera; Budd-Chiari syndrome; Acute myeloid leukemia; Thrombocythemia 3. Last evaluated: 2022-02-22. Review status: criteria provided, single submitter. Criteria: ACMG Guidelines, 2015. Collection method: research. Allele origin: germline.

PreventionGenetics, part of Exact Sciences
Classification: Uncertain significance for JAK2-related condition. Last evaluated: 2024-05-09. Review status: no assertion criteria provided. Collection method: clinical testing. Allele origin: germline. Not counted in ClinVar's aggregate classification.
Comment: The JAK2 c.2768G>A variant is predicted to result in the amino acid substitution p.Arg923His. This variant has been reported in individuals with acute myeloid leukemia (Piazza et al. 2015. PubMed ID: 26440066; Caprioli et al. 2020. PubMed ID: 32855275. Table S2). This variant is reported in 0.011% of alleles in individuals of Latino descent in gnomAD. At this time, the clinical significance of this variant is uncertain due to the absence of conclusive functional and genetic evidence.

NM_004972.4(JAK2):c.2768G>A (p.Arg923His)

Genes: JAK2 (Janus kinase 2; plus strand), INSL6 (insulin like 6; minus strand). Cytogenetic location: 9p24.1.
Variant type: single nucleotide variant.
Coding change: c.2768G>A on transcript NM_004972.4 (MANE Select); coding-DNA position 2768, G replaced by A.
Protein change: p.Arg923His; replaces arginine 923 with histidine.
Molecular consequence: missense variant. On other transcripts: non-coding transcript variant (2).
Genome position (GRCh38, 1-based): chr9:5,090,452, G>A. VCF-style: chr9-5090452-G-A. GRCh37 (hg19) VCF-style: chr9-5090452-G-A.
Other names: c.2768G>A, p.Arg923His (NM_001322194.2, NM_001322195.2, NM_001322196.2); c.1553G>A, p.Arg518His (NM_001322198.2, NM_001322199.2); c.2321G>A, p.Arg774His (NM_001322204.2); short protein forms R518H, R774H, R923H.
Identifiers: ClinVar variation 2636010 (VCV002636010.4), dbSNP rs761937412, ClinGen allele CA4972259.